The following is an entry in ClinVar:

ClinVar aggregate classification (germline): Uncertain significance. Review status: criteria provided, multiple submitters, no conflicts (2 of 4 stars). 2 submissions from 2 submitters: Uncertain significance (2). Last evaluated 2025-09-23.

Conditions:
Cardiovascular phenotype. Identifiers: MedGen CN230736.
Brugada syndrome 8 (BRGDA8). Identifiers: Orphanet 130, MedGen C2751083, MONDO:0013148, OMIM 613123.

Submissions (2):

Labcorp Genetics (formerly Invitae), Labcorp
Classification: Uncertain significance for Brugada syndrome 8. Last evaluated: 2025-09-23. Review status: criteria provided, single submitter. Criteria: Invitae Variant Classification Sherloc (09022015). Collection method: clinical testing. Allele origin: germline.
Comment: This sequence change replaces methionine, which is neutral and non-polar, with arginine, which is basic and polar, at codon 632 of the HCN4 protein (p.Met632Arg). This variant is not present in population databases (gnomAD no frequency). This variant has not been reported in the literature in individuals affected with HCN4-related conditions. ClinVar contains an entry for this variant (Variation ID: 3856993). Invitae Evidence Modeling of protein sequence and biophysical properties (such as structural, functional, and spatial information, amino acid conservation, physicochemical variation, residue mobility, and thermodynamic stability) indicates that this missense variant is expected to disrupt HCN4 protein function with a positive predictive value of 95%. In summary, the available evidence is currently insufficient to determine the role of this variant in disease. Therefore, it has been classified as a Variant of Uncertain Significance.

Ambry Genetics
Classification: Uncertain significance for Cardiovascular phenotype. Last evaluated: 2025-01-11. Review status: criteria provided, single submitter. Criteria: Ambry Variant Classification Scheme 2023. Collection method: clinical testing. Allele origin: germline.
Comment: The p.M632R variant (also known as c.1895T>G), located in coding exon 6 of the HCN4 gene, results from a T to G substitution at nucleotide position 1895. The methionine at codon 632 is replaced by arginine, an amino acid with similar properties. This amino acid position is conserved. In addition, this alteration is predicted to be deleterious by in silico analysis. Based on the available evidence, the clinical significance of this variant remains unclear.

NM_005477.3(HCN4):c.1895T>G (p.Met632Arg)

Gene: HCN4 (hyperpolarization activated cyclic nucleotide gated potassium channel 4; minus strand). Cytogenetic location: 15q24.1.
Variant type: single nucleotide variant.
Coding change: c.1895T>G on transcript NM_005477.3 (MANE Select); coding-DNA position 1895, T replaced by G.
Protein change: p.Met632Arg; replaces methionine 632 with arginine.
Molecular consequence: missense variant.
Genome position (GRCh38, 1-based): chr15:73,325,038, A>C on the plus strand (T>G on the coding strand, the complement: HCN4 is on the minus strand). VCF-style: chr15-73325038-A-C. GRCh37 (hg19) VCF-style: chr15-73617379-A-C.
Other names: short protein forms M632R.
Identifiers: ClinVar variation 3856993 (VCV003856993.2).